The following is an entry in ClinVar:

NM_000263.4(NAGLU):c.2085C>G (p.His695Gln)

Gene: NAGLU (N-acetyl-alpha-glucosaminidase; plus strand). Cytogenetic location: 17q21.2.
Variant type: single nucleotide variant.
Coding change: c.2085C>G on transcript NM_000263.4 (MANE Select); coding-DNA position 2085, C replaced by G.
Protein change: p.His695Gln; replaces histidine 695 with glutamine.
Molecular consequence: missense variant.
Genome position (GRCh38, 1-based): chr17:42,544,091, C>G. VCF-style: chr17-42544091-C-G. GRCh37 (hg19) VCF-style: chr17-40696109-C-G.
Other names: c.2085C>G (NM_000263.3); short protein forms H695Q.
Identifiers: ClinVar variation 1362830 (VCV001362830.8), dbSNP rs1038367205, ClinGen allele CA290781215.

ClinVar aggregate classification (germline): Uncertain significance. Review status: criteria provided, multiple submitters, no conflicts (2 of 4 stars). 3 submissions from 3 submitters: Uncertain significance (3). Last evaluated 2026-04-27.

Conditions:
Inborn genetic diseases. Identifiers: MedGen C0950123, MeSH D030342.
Charcot-Marie-Tooth disease axonal type 2V. Also called: CHARCOT-MARIE-TOOTH NEUROPATHY, TYPE 2V; CHARCOT-MARIE-TOOTH DISEASE, AXONAL, AUTOSOMAL DOMINANT, TYPE 2V. Identifiers: Orphanet 447964, MedGen C5569050, MONDO:0014665, OMIM 616491.
Mucopolysaccharidosis, MPS-III-B (MPS3B). Also called: MPS IIIB (Sanfilippo Syndrome Type B); N-ACETYL-ALPHA-D-GLUCOSAMINIDASE DEFICIENCY; NAGLU DEFICIENCY; MUCOPOLYSACCHARIDOSIS, TYPE IIIB; Mucopolysaccharidosis type IIIB (Sanfilippo B); SANFILIPPO SYNDROME B. Identifiers: Orphanet 79270, MedGen C0086648, MONDO:0009656, OMIM 252920.
NAGLU-related disorder. Also called: NAGLU-related condition.

gnomAD v4.1: 3 of 1,614,112 alleles (0.00019%); highest among the groups gnomAD compares: Non-Finnish European, 0.000085%; no homozygotes.

Submissions (3):

PreventionGenetics, part of Exact Sciences
Classification: Uncertain significance for NAGLU-related condition. Last evaluated: 2026-04-27. Review status: criteria provided, single submitter. Criteria: ACMG Guidelines, 2015. Collection method: clinical testing. Allele origin: germline.
Comment: The NAGLU c.2085C>G variant is predicted to result in the amino acid substitution p.His695Gln. To our knowledge, this variant has not been reported in the literature or in a large population database (gnomAD), indicating this variant is rare. At this time, the clinical significance of this variant is uncertain due to the absence of conclusive functional and genetic evidence.

Ambry Genetics
Classification: Uncertain significance for Inborn genetic diseases. Last evaluated: 2025-12-03. Review status: criteria provided, single submitter. Criteria: Ambry Variant Classification Scheme 2023. Collection method: clinical testing. Allele origin: germline.

Labcorp Genetics (formerly Invitae), Labcorp
Classification: Uncertain significance for Charcot-Marie-Tooth disease axonal type 2V; Mucopolysaccharidosis, MPS-III-B. Last evaluated: 2024-06-04. Review status: criteria provided, single submitter. Criteria: Invitae Variant Classification Sherloc (09022015). Collection method: clinical testing. Allele origin: germline.
Comment: This sequence change replaces histidine, which is basic and polar, with glutamine, which is neutral and polar, at codon 695 of the NAGLU protein (p.His695Gln). This variant is not present in population databases (gnomAD no frequency). This variant has not been reported in the literature in individuals affected with NAGLU-related conditions. ClinVar contains an entry for this variant (Variation ID: 1362830). Advanced modeling of protein sequence and biophysical properties (such as structural, functional, and spatial information, amino acid conservation, physicochemical variation, residue mobility, and thermodynamic stability) performed at Invitae indicates that this missense variant is expected to disrupt NAGLU protein function with a positive predictive value of 80%. In summary, the available evidence is currently insufficient to determine the role of this variant in disease. Therefore, it has been classified as a Variant of Uncertain Significance.